The following is an entry in ClinVar:

NM_017646.6(TRIT1):c.1279A>G (p.Arg427Gly)

Gene: TRIT1 (tRNA isopentenyltransferase 1; minus strand). Cytogenetic location: 1p34.2.
Variant type: single nucleotide variant.
Coding change: c.1279A>G on transcript NM_017646.6 (MANE Select); coding-DNA position 1279, A replaced by G.
Protein change: p.Arg427Gly; replaces arginine 427 with glycine.
Molecular consequence: missense variant.
Genome position (GRCh38, 1-based): chr1:39,841,869, T>C on the plus strand (A>G on the coding strand, the complement: TRIT1 is on the minus strand). VCF-style: chr1-39841869-T-C. GRCh37 (hg19) VCF-style: chr1-40307541-T-C.
Other names: c.1201A>G, p.Arg401Gly (NM_001312691.2); c.1033A>G, p.Arg345Gly (NM_001312692.2); short protein forms R401G, R345G, R427G.
Identifiers: ClinVar variation 3687120 (VCV003687120.2).

ClinVar aggregate classification (germline): Uncertain significance (1 of 4 stars; one submission).

Submission:

Labcorp Genetics (formerly Invitae), Labcorp
Classification: Uncertain significance. Last evaluated: 2024-06-07. Review status: criteria provided, single submitter. Criteria: Invitae Variant Classification Sherloc (09022015). Collection method: clinical testing. Allele origin: germline.
Comment: This sequence change replaces arginine, which is basic and polar, with glycine, which is neutral and non-polar, at codon 427 of the TRIT1 protein (p.Arg427Gly). This variant is not present in population databases (gnomAD no frequency). This variant has not been reported in the literature in individuals affected with TRIT1-related conditions. Advanced modeling of protein sequence and biophysical properties (such as structural, functional, and spatial information, amino acid conservation, physicochemical variation, residue mobility, and thermodynamic stability) has been performed at Invitae for this missense variant, however the output from this modeling did not meet the statistical confidence thresholds required to predict the impact of this variant on TRIT1 protein function. In summary, the available evidence is currently insufficient to determine the role of this variant in disease. Therefore, it has been classified as a Variant of Uncertain Significance.